The following is an entry in ClinVar:

NM_172364.5(CACNA2D4):c.2688C>G (p.Asn896Lys)

Gene: CACNA2D4 (calcium voltage-gated channel auxiliary subunit alpha2delta 4; minus strand). Cytogenetic location: 12p13.33.
Variant type: single nucleotide variant.
Coding change: c.2688C>G on transcript NM_172364.5 (MANE Select); coding-DNA position 2688, C replaced by G.
Protein change: p.Asn896Lys; replaces asparagine 896 with lysine.
Molecular consequence: missense variant.
Genome position (GRCh38, 1-based): chr12:1,810,311, G>C on the plus strand (C>G on the coding strand, the complement: CACNA2D4 is on the minus strand). VCF-style: chr12-1810311-G-C. GRCh37 (hg19) VCF-style: chr12-1919477-G-C.
Other names: short protein forms N896K.
Identifiers: ClinVar variation 1346951 (VCV001346951.8), dbSNP rs755996321, ClinGen allele CA383349981.

ClinVar aggregate classification (germline): Uncertain significance (1 of 4 stars; one submission).

gnomAD v4.1: 3 of 1,613,934 alleles (0.00019%); highest among the groups gnomAD compares: Non-Finnish European, 0.00025%; no homozygotes.

Submission:

Labcorp Genetics (formerly Invitae), Labcorp
Classification: Uncertain significance. Last evaluated: 2021-04-20. Review status: criteria provided, single submitter. Criteria: Invitae Variant Classification Sherloc (09022015). Collection method: clinical testing. Allele origin: germline.
Comment: In summary, the available evidence is currently insufficient to determine the role of this variant in disease. Therefore, it has been classified as a Variant of Uncertain Significance. Algorithms developed to predict the effect of missense changes on protein structure and function are either unavailable or do not agree on the potential impact of this missense change (SIFT: "Deleterious"; PolyPhen-2: "Probably Damaging"; Align-GVGD: "Class C0"). This variant has not been reported in the literature in individuals with CACNA2D4-related conditions. This variant is not present in population databases (ExAC no frequency). This sequence change replaces asparagine with lysine at codon 896 of the CACNA2D4 protein (p.Asn896Lys). The asparagine residue is moderately conserved and there is a moderate physicochemical difference between asparagine and lysine.